The following is an entry in ClinVar:

ClinVar aggregate classification (germline): Uncertain significance (1 of 4 stars; one submission).

Submission:

Labcorp Genetics (formerly Invitae), Labcorp
Classification: Uncertain significance. Last evaluated: 2024-02-06. Review status: criteria provided, single submitter. Criteria: Invitae Variant Classification Sherloc (09022015). Collection method: clinical testing. Allele origin: germline.
Comment: This sequence change replaces arginine, which is basic and polar, with histidine, which is basic and polar, at codon 526 of the PPP2R5C protein (p.Arg526His). This variant is present in population databases (rs147942579, gnomAD 0.006%). This variant has not been reported in the literature in individuals affected with PPP2R5C-related conditions. An algorithm developed to predict the effect of missense changes on protein structure and function (PolyPhen-2) suggests that this variant is likely to be tolerated. In summary, the available evidence is currently insufficient to determine the role of this variant in disease. Therefore, it has been classified as a Variant of Uncertain Significance.

NM_001352913.2(PPP2R5C):c.1649G>A (p.Arg550His)

Gene: PPP2R5C (protein phosphatase 2 regulatory subunit B'gamma; plus strand). Cytogenetic location: 14q32.31.
Variant type: single nucleotide variant.
Coding change: c.1649G>A on transcript NM_001352913.2 (MANE Select); coding-DNA position 1649, G replaced by A.
Protein change: p.Arg550His; replaces arginine 550 with histidine.
Molecular consequence: missense variant.
Genome position (GRCh38, 1-based): chr14:101,925,181, G>A. VCF-style: chr14-101925181-G-A. GRCh37 (hg19) VCF-style: chr14-102391518-G-A.
Other names: c.1577G>A, p.Arg526His (NM_001161725.2); c.1532G>A, p.Arg511His (NM_001161726.2); c.1367G>A, p.Arg456His (NM_001352912.1, NM_178586.3); c.1547G>A, p.Arg516His (NM_001352914.2); c.1259G>A, p.Arg420His (NM_001352915.2); c.1142G>A, p.Arg381His (NM_001352916.2); c.1484G>A, p.Arg495His (NM_002719.4); short protein forms R381H, R420H, R456H, R495H, R511H, R516H, R526H, R550H.
Identifiers: ClinVar variation 3603843 (VCV003603843.2).